The following is an entry in ClinVar:

NM_001394372.1(BICRA):c.1719G>A (p.Ala573=)

Gene: BICRA (BRD4 interacting chromatin remodeling complex associated protein; plus strand). Cytogenetic location: 19q13.33.
Variant type: single nucleotide variant.
Coding change: c.1719G>A on transcript NM_001394372.1 (MANE Select); coding-DNA position 1719, G replaced by A.
Protein change: p.Ala573=; no amino-acid change (alanine 573 retained).
Molecular consequence: synonymous variant.
Genome position (GRCh38, 1-based): chr19:47,680,889, G>A. VCF-style: chr19-47680889-G-A. GRCh37 (hg19) VCF-style: chr19-48184146-G-A.
Other names: c.1719G>A, p.Ala573= (NM_015711.3).
Identifiers: ClinVar variation 3250870 (VCV003250870.18), dbSNP rs1474602084.

ClinVar aggregate classification (germline): Likely benign (1 of 4 stars; one submission).

Allele frequency attached by ClinVar (database versions not stated): gnomAD exomes 0.00001; TOPMed 0.00002; gnomAD 0.00003.
gnomAD v4.1: 15 of 1,463,992 alleles (0.001%); highest among the groups gnomAD compares: African/African-American, 0.0073%; no homozygotes.

Submission:

CeGaT Center for Human Genetics Tuebingen
Classification: Likely benign. Last evaluated: 2024-06-01. Review status: criteria provided, single submitter. Criteria: CeGaT Center For Human Genetics Tuebingen Variant Classification Criteria Version 2. Collection method: clinical testing. Allele origin: germline. Affected: yes. Observed: 1 variant allele.
Comment: BICRA: BP4, BP7